The following is an entry in ClinVar:

ClinVar aggregate classification (germline): Uncertain significance (1 of 4 stars; one submission).

Submission:

GeneDx
Classification: Uncertain significance. Last evaluated: 2024-11-05. Review status: criteria provided, single submitter. Criteria: GeneDx Variant Classification Process June 2021. Collection method: clinical testing. Allele origin: germline. Affected: yes.
Comment: Not observed at significant frequency in large population cohorts (gnomAD); In silico analysis indicates that this missense variant does not alter protein structure/function; Has not been previously published as pathogenic or benign to our knowledge

NM_001999.4(FBN2):c.4264A>C (p.Asn1422His)

Gene: FBN2 (fibrillin 2; minus strand). Cytogenetic location: 5q23.3.
Variant type: single nucleotide variant.
Coding change: c.4264A>C on transcript NM_001999.4 (MANE Select); coding-DNA position 4264, A replaced by C.
Protein change: p.Asn1422His; replaces asparagine 1422 with histidine.
Molecular consequence: missense variant.
Genome position (GRCh38, 1-based): chr5:128,330,654, T>G on the plus strand (A>C on the coding strand, the complement: FBN2 is on the minus strand). VCF-style: chr5-128330654-T-G. GRCh37 (hg19) VCF-style: chr5-127666346-T-G.
Other names: short protein forms N1422H.
Identifiers: ClinVar variation 3897449 (VCV003897449.1).